The following is an entry in ClinVar:

ClinVar aggregate classification (germline): Uncertain significance (1 of 4 stars; one submission).

Submission:

Labcorp Genetics (formerly Invitae), Labcorp
Classification: Uncertain significance. Last evaluated: 2022-01-27. Review status: criteria provided, single submitter. Criteria: Invitae Variant Classification Sherloc (09022015). Collection method: clinical testing. Allele origin: germline.
Comment: In summary, the available evidence is currently insufficient to determine the role of this variant in disease. Therefore, it has been classified as a Variant of Uncertain Significance. This variant has not been reported in the literature in individuals affected with RINT1-related conditions. This variant is a gross deletion of the genomic region encompassing exon(s) 11-15 of the RINT1 gene, which includes the termination codon. This deletion extends beyond the assayed region for this gene and therefore may encompass additional genes. While this deletion is not anticipated to lead to nonsense mediated decay, it is expected to alter mRNA translation or result in a truncated protein product.

NC_000007.14:g.(?_105555022)_(105567316_?)del

Gene: RINT1 (RAD50 interactor 1; plus strand). Cytogenetic location: 7q22.3.
Variant type: Deletion.
Identifiers: ClinVar variation 1023834 (VCV001023834.8).